The following is an entry in ClinVar:

ClinVar aggregate classification (germline): Uncertain significance. Review status: criteria provided, multiple submitters, no conflicts (2 of 4 stars). 2 submissions from 2 submitters: Uncertain significance (2). Last evaluated 2022-05-27.

Conditions:
Deficiency of adenosine deaminase 2. Also called: Polyarteritis nodosa, childhoood-onset; Adenosine Deaminase 2 Deficiency; VASCULITIS, AUTOINFLAMMATION, IMMUNODEFICIENCY, AND HEMATOLOGIC DEFECTS SYNDROME. Identifiers: Orphanet 404553, MedGen C3887654, MONDO:0014306, OMIM 615688, MONDO:0100317.
Sneddon syndrome (SNDNS). Also called: Idiopathic livedo reticularis with systemic involvement; LIVEDO RETICULARIS AND CEREBROVASCULAR ACCIDENTS. Identifiers: Orphanet 820, MedGen C0282492, MONDO:0008436, OMIM 182410.

Allele frequency attached by ClinVar (database versions not stated): ExAC 0.00001; gnomAD 0.00001; gnomAD exomes 0.00001.
gnomAD v4.1: 16 of 1,608,106 alleles (0.00099%); highest among the groups gnomAD compares: East Asian, 0.016%; no homozygotes.

Submissions (2):

Labcorp Genetics (formerly Invitae), Labcorp
Classification: Uncertain significance for Deficiency of adenosine deaminase 2. Last evaluated: 2022-05-27. Review status: criteria provided, single submitter. Criteria: Invitae Variant Classification Sherloc (09022015). Collection method: clinical testing. Allele origin: germline.
Comment: This sequence change replaces lysine, which is basic and polar, with glutamine, which is neutral and polar, at codon 511 of the ADA2 protein (p.Lys511Gln). This variant is present in population databases (rs535337577, gnomAD 0.0008%). This variant has not been reported in the literature in individuals affected with ADA2-related conditions. ClinVar contains an entry for this variant (Variation ID: 474907). Algorithms developed to predict the effect of missense changes on protein structure and function (SIFT, PolyPhen-2, Align-GVGD) all suggest that this variant is likely to be tolerated. In summary, the available evidence is currently insufficient to determine the role of this variant in disease. Therefore, it has been classified as a Variant of Uncertain Significance.

Fulgent Genetics
Classification: Uncertain significance for Sneddon syndrome; Deficiency of adenosine deaminase 2. Last evaluated: 2021-12-02. Review status: criteria provided, single submitter. Criteria: ACMG Guidelines, 2015. Collection method: clinical testing. Allele origin: unknown.

NM_001282225.2(ADA2):c.1531A>C (p.Lys511Gln)

Gene: ADA2 (adenosine deaminase 2; minus strand). Cytogenetic location: 22q11.1.
Variant type: single nucleotide variant.
Coding change: c.1531A>C on transcript NM_001282225.2 (MANE Select); coding-DNA position 1531, A replaced by C.
Protein change: p.Lys511Gln; replaces lysine 511 with glutamine.
Molecular consequence: missense variant.
Genome position (GRCh38, 1-based): chr22:17,181,488, T>G on the plus strand (A>C on the coding strand, the complement: ADA2 is on the minus strand). VCF-style: chr22-17181488-T-G. GRCh37 (hg19) VCF-style: chr22-17662378-T-G.
Other names: c.1531A>C, p.Lys511Gln (NM_001282226.2); c.1405A>C, p.Lys469Gln (NM_001282227.2, NM_001282228.2); c.1171A>C, p.Lys391Gln (NM_001282229.2); c.808A>C, p.Lys270Gln (NM_177405.3); short protein forms K469Q, K511Q, K270Q, K391Q.
Identifiers: ClinVar variation 474907 (VCV000474907.9), dbSNP rs535337577, ClinGen allele CA10087833.
Genomic context (GRCh38, chr22:17,181,488, plus strand): 5'-AGGAAGTGACAGCGTGTGCAAGAAGACAGCTTGTAGAGGGCTGGCTAGCTTCTCCTCACT[T>G]TGTAGCCACATCTGCTATGAACTTATCCCATCTCTTCTTCCAGATTTCCATGAAAGTATT-3'
Protein context (NP_001269154.1, residues 501-511): WDKFIADVAT[Lys511Gln]